The following is an entry in ClinVar:

ClinVar aggregate classification (germline): Uncertain significance. Review status: criteria provided, multiple submitters, no conflicts (2 of 4 stars). 2 submissions from 2 submitters: Uncertain significance (2). Last evaluated 2024-09-10.

Conditions:
Hereditary motor and sensory neuropathy, Okinawa type (HMSNO). Also called: HEREDITARY MOTOR AND SENSORY NEUROPATHY, PROXIMAL TYPE. Identifiers: Orphanet 90117, MedGen C1858338, MONDO:0011468, OMIM 604484.
Hereditary spastic paraplegia 57. Also called: Spastic paraplegia 57, autosomal recessive. Identifiers: Orphanet 431329, MedGen C3714897, MONDO:0014295, OMIM 615658.

Allele frequency attached by ClinVar (database versions not stated): gnomAD exomes below 0.00001 and 0.00002; ExAC 0.00001; TOPMed 0.00001.
gnomAD v4.1: 5 of 1,605,718 alleles (0.00031%); highest among the groups gnomAD compares: East Asian, 0.0068%; no homozygotes.

Submissions (2):

Labcorp Genetics (formerly Invitae), Labcorp
Classification: Uncertain significance for Hereditary motor and sensory neuropathy, Okinawa type; Hereditary spastic paraplegia 57. Last evaluated: 2024-09-10. Review status: criteria provided, single submitter. Criteria: Invitae Variant Classification Sherloc (09022015). Collection method: clinical testing. Allele origin: germline.
Comment: This sequence change replaces proline, which is neutral and non-polar, with serine, which is neutral and polar, at codon 131 of the TFG protein (p.Pro131Ser). This variant is present in population databases (rs770053266, gnomAD 0.02%). This variant has not been reported in the literature in individuals affected with TFG-related conditions. ClinVar contains an entry for this variant (Variation ID: 466408). Invitae Evidence Modeling of protein sequence and biophysical properties (such as structural, functional, and spatial information, amino acid conservation, physicochemical variation, residue mobility, and thermodynamic stability) indicates that this missense variant is not expected to disrupt TFG protein function with a negative predictive value of 80%. In summary, the available evidence is currently insufficient to determine the role of this variant in disease. Therefore, it has been classified as a Variant of Uncertain Significance.

Fulgent Genetics
Classification: Uncertain significance for Hereditary motor and sensory neuropathy, Okinawa type; Hereditary spastic paraplegia 57. Last evaluated: 2021-09-22. Review status: criteria provided, single submitter. Criteria: ACMG Guidelines, 2015. Collection method: clinical testing. Allele origin: unknown.

NM_006070.6(TFG):c.391C>T (p.Pro131Ser)

Gene: TFG (trafficking from ER to golgi regulator; plus strand). Cytogenetic location: 3q12.2.
Variant type: single nucleotide variant.
Coding change: c.391C>T on transcript NM_006070.6 (MANE Select); coding-DNA position 391, C replaced by T.
Protein change: p.Pro131Ser; replaces proline 131 with serine.
Molecular consequence: missense variant.
Genome position (GRCh38, 1-based): chr3:100,728,834, C>T. VCF-style: chr3-100728834-C-T. GRCh37 (hg19) VCF-style: chr3-100447678-C-T.
Other names: c.391C>T, p.Pro131Ser (NM_001007565.2, NM_001195478.2, NM_001195479.2); short protein forms P131S.
Identifiers: ClinVar variation 466408 (VCV000466408.9), dbSNP rs770053266, ClinGen allele CA2517061.